The following is an entry in ClinVar:

ClinVar aggregate classification (germline): Benign (1 of 4 stars; one submission).

Conditions:
Oligodontia-cancer predisposition syndrome. Also called: TOOTH AGENESIS-COLORECTAL CANCER SYNDROME. Identifiers: Orphanet 300576, MedGen C1837750, MONDO:0012075, OMIM 608615. Disease mechanism: loss of function.

Submission:

Myriad Genetics, Inc.
Classification: Benign for Oligodontia-cancer predisposition syndrome. Last evaluated: 2024-07-03. Review status: criteria provided, single submitter. Criteria: Myriad Autosomal Dominant, Autosomal Recessive and X-Linked Classification Criteria (2023). Collection method: clinical testing. Allele origin: unknown.
Comment: This variant is considered benign. This variant is a silent/synonymous amino acid change and it is not expected to impact splicing.

NM_004655.4(AXIN2):c.1386_1389delinsTCGT (p.Pro462_Arg463=)

Gene: AXIN2 (axin 2; minus strand). Cytogenetic location: 17q24.1.
Variant type: Indel.
Coding change: c.1386_1389delinsTCGT on transcript NM_004655.4 (MANE Select); coding-DNA positions 1386 to 1389, CCGC replaced by TCGT.
Protein change: p.Pro462_Arg463=.
Molecular consequence: synonymous variant.
Genome position (GRCh38, 1-based): chr17:65,537,647-65,537,650, GCGG replaced by ACGA on the plus strand (CCGC replaced by TCGT on the coding strand, the reverse complement: AXIN2 is on the minus strand). VCF-style: chr17-65537647-GCGG-ACGA. GRCh37 (hg19) VCF-style: chr17-63533765-GCGG-ACGA.
Other names: c.1386_1389delinsTCGT, p.Pro462_Arg463= (NM_001363813.1).
Identifiers: ClinVar variation 3379002 (VCV003379002.1).